The following is an entry in ClinVar:

NM_000235.4(LIPA):c.837A>G (p.Val279=)

Gene: LIPA (lipase A, lysosomal acid type; minus strand). Cytogenetic location: 10q23.31.
Variant type: single nucleotide variant.
Coding change: c.837A>G on transcript NM_000235.4 (MANE Select); coding-DNA position 837, A replaced by G.
Protein change: p.Val279=; no amino-acid change (valine 279 retained).
Molecular consequence: synonymous variant.
Genome position (GRCh38, 1-based): chr10:89,222,568, T>C on the plus strand (A>G on the coding strand, the complement: LIPA is on the minus strand). VCF-style: chr10-89222568-T-C. GRCh37 (hg19) VCF-style: chr10-90982325-T-C.
Other names: p.Val279=; c.837A>G, p.Val279= (NM_001127605.3); c.489A>G, p.Val163= (NM_001288979.2); c.837A>G (NM_000235.2).
Identifiers: ClinVar variation 1092385 (VCV001092385.11), dbSNP rs2133424899, ClinGen allele CA470737576.
Genomic context (GRCh38, chr10:89,222,568, plus strand): 5'-TACCTGGCTCCAGTGTAACATGTTTTGCACAGAAGTTCCAGCAGGAGAATGTGTTGTATA[T>C]ACATCCACTCTAGACTGCAAAATAAATACATTGAAATGAAGAATGAAAACAGCATTAAGG-3'
Protein context (NP_000226.2, residues 269-289): ERNLNMSRVD[Val279=]YTTHSPAGTS

ClinVar aggregate classification (germline): Likely benign. Review status: criteria provided, multiple submitters, no conflicts (2 of 4 stars). 3 submissions from 3 submitters: Likely benign (3). Last evaluated 2025-05-08.

Conditions:
Cardiovascular phenotype. Identifiers: MedGen CN230736.
Wolman disease (WOLD). Also called: LYSOSOMAL ACID LIPASE DEFICIENCY, ACUTE INFANTILE; LYSOSOMAL ACID LIPASE DEFICIENCY, COMPLETE; LIPA DEFICIENCY, COMPLETE; LAL DEFICIENCY, COMPLETE; CHOLESTEROL ESTER HYDROLASE DEFICIENCY, COMPLETE; Infantile-Onset LAL-D (Wolman Disease). Identifiers: Orphanet 75233, MedGen C0043208, MONDO:0019148, OMIM 620151.

Allele frequency attached by ClinVar (database versions not stated): gnomAD exomes below 0.00001.
gnomAD v4.1: 1 of 1,599,586 alleles (0.000063%); highest among the groups gnomAD compares: South Asian, 0.0011%; no homozygotes.

Submissions (3):

Mayo Clinic Laboratories, Mayo Clinic
Classification: Likely benign. Last evaluated: 2025-05-08. Review status: criteria provided, single submitter. Criteria: ACMG Guidelines, 2015. Collection method: clinical testing. Allele origin: germline. Observed: 1 variant allele.
Comment: BP4, BP7, PM2_supporting

Ambry Genetics
Classification: Likely benign for Cardiovascular phenotype. Last evaluated: 2025-03-13. Review status: criteria provided, single submitter. Criteria: Ambry Variant Classification Scheme 2023. Collection method: clinical testing. Allele origin: germline.

Labcorp Genetics (formerly Invitae), Labcorp
Classification: Likely benign for Wolman disease. Last evaluated: 2023-01-14. Review status: criteria provided, single submitter. Criteria: Invitae Variant Classification Sherloc (09022015). Collection method: clinical testing. Allele origin: germline.